The following is an entry in ClinVar:

NM_000092.5(COL4A4):c.1226C>T (p.Pro409Leu)

Gene: COL4A4 (collagen type IV alpha 4 chain; minus strand). Cytogenetic location: 2q36.3.
Variant type: single nucleotide variant.
Coding change: c.1226C>T on transcript NM_000092.5 (MANE Select); coding-DNA position 1226, C replaced by T.
Protein change: p.Pro409Leu; replaces proline 409 with leucine.
Molecular consequence: missense variant.
Genome position (GRCh38, 1-based): chr2:227,094,268, G>A on the plus strand (C>T on the coding strand, the complement: COL4A4 is on the minus strand). VCF-style: chr2-227094268-G-A. GRCh37 (hg19) VCF-style: chr2-227958984-G-A.
Other names: short protein forms P409L.
Identifiers: ClinVar variation 1984847 (VCV001984847.1), dbSNP rs747508280, ClinGen allele CA2145233.

ClinVar aggregate classification (germline): Uncertain significance (1 of 4 stars; one submission).

Allele frequency attached by ClinVar (database versions not stated): ExAC 0.00001; gnomAD 0.00001.
gnomAD v4.1: 1 of 1,613,638 alleles (0.000062%); highest among the groups gnomAD compares: Admixed American, 0.0017%; no homozygotes.

Submission:

Labcorp Genetics (formerly Invitae), Labcorp
Classification: Uncertain significance. Last evaluated: 2020-07-28. Review status: criteria provided, single submitter. Criteria: Invitae Variant Classification Sherloc (09022015). Collection method: clinical testing. Allele origin: germline.
Comment: This sequence change replaces proline with leucine at codon 409 of the COL4A4 protein (p.Pro409Leu). The proline residue is moderately conserved and there is a moderate physicochemical difference between proline and leucine. This variant is present in population databases (rs747508280, ExAC 0.002%). This variant has not been reported in the literature in individuals with COL4A4-related conditions. Advanced modeling of protein sequence and biophysical properties (such as structural, functional, and spatial information, amino acid conservation, physicochemical variation, residue mobility, and thermodynamic stability) performed at Invitae indicates that this missense variant is not expected to disrupt COL4A4 protein function. In summary, the available evidence is currently insufficient to determine the role of this variant in disease. Therefore, it has been classified as a Variant of Uncertain Significance.